The following is an entry in ClinVar:

ClinVar aggregate classification (germline): Benign/Likely benign. Review status: criteria provided, multiple submitters, no conflicts (2 of 4 stars). 5 submissions from 5 submitters: Benign (2); Likely benign (2). 1 of the submissions does not count toward it. Last evaluated 2026-09-01.

Conditions:
UNC80-related disorder. Also called: UNC80-related condition.
Hypotonia, infantile, with psychomotor retardation and characteristic facies 2 (IHPRF2). Also called: UNC80 Deficiency. Identifiers: Orphanet 371364, Orphanet 700333, MedGen C4225203, MONDO:0014777, OMIM 616801.

Allele frequency attached by ClinVar (database versions not stated): ExAC 0.00214; 1000 Genomes Project 0.00240; 1000 Genomes Project 30x 0.00250; gnomAD exomes 0.00397 and 0.00703; TOPMed 0.00447; gnomAD 0.00448 and 0.00451.

Submissions (5):

CeGaT Center for Human Genetics Tuebingen
Classification: Likely benign. Last evaluated: 2026-09-01. Review status: criteria provided, single submitter. Criteria: CeGaT Center For Human Genetics Tuebingen Variant Classification Criteria Version 2. Collection method: clinical testing. Allele origin: germline. Affected: yes. Observed: 15 variant alleles.
Comment: UNC80: BP4, BS2

Labcorp Genetics (formerly Invitae), Labcorp
Classification: Benign. Last evaluated: 2026-02-02. Review status: criteria provided, single submitter. Criteria: Invitae Variant Classification Sherloc (09022015). Collection method: clinical testing. Allele origin: germline.

ARUP Laboratories, Molecular Genetics and Genomics, ARUP Laboratories
Classification: Benign for Hypotonia, infantile, with psychomotor retardation and characteristic facies 2. Last evaluated: 2023-11-14. Review status: criteria provided, single submitter. Criteria: ARUP Molecular Germline Variant Investigation Process 2024. Collection method: clinical testing. Allele origin: germline.

Institute of Human Genetics, University of Leipzig Medical Center
Classification: Likely benign for Hypotonia, infantile, with psychomotor retardation and characteristic facies 2. Last evaluated: 2019-01-01. Review status: criteria provided, single submitter. Criteria: ACMG Guidelines, 2015. Collection method: clinical testing. Allele origin: unknown. Affected: yes.

PreventionGenetics, part of Exact Sciences
Classification: Benign for UNC80-related condition. Last evaluated: 2020-03-25. Review status: no assertion criteria provided. Collection method: clinical testing. Allele origin: germline. Not counted in ClinVar's aggregate classification.
Comment: This variant is classified as benign based on ACMG/AMP sequence variant interpretation guidelines (Richards et al. 2015 PMID: 25741868, with internal and published modifications).

NM_001371986.1(UNC80):c.92+7G>A

Gene: UNC80 (unc-80 subunit of NALCN channel complex; plus strand). Cytogenetic location: 2q34.
Variant type: single nucleotide variant.
Coding change: c.92+7G>A on transcript NM_001371986.1 (MANE Select); 7 bases into the intron after coding-DNA position 92, G replaced by A.
Molecular consequence: intron variant.
Genome position (GRCh38, 1-based): chr2:209,772,171, G>A. VCF-style: chr2-209772171-G-A. GRCh37 (hg19) VCF-style: chr2-210636895-G-A.
Other names: c.92+7G>A (NM_032504.2, NM_182587.4).
Identifiers: ClinVar variation 710314 (VCV000710314.36), dbSNP rs200211384, ClinGen allele CA2082663.
Genomic context (GRCh38, chr2:209,772,171, plus strand): 5'-CGGCGGCCGCGGCATCCCCCTGCCCATCCAGACCTTCCTGTGGCGGCAAACCAGGTGAGG[G>A]GCGCAGAGGGCGCACCGCGGGCCGCCCTGGGCTGGGGGCGCTCCTGGGGCCGCCCGGGTC-3'